The following is an entry in ClinVar:

NM_001267550.2(TTN):c.54661A>G (p.Ile18221Val)

Genes: TTN (titin; minus strand), TTN-AS1 (TTN antisense RNA 1; plus strand). Cytogenetic location: 2q31.2.
Variant type: single nucleotide variant.
Coding change: c.54661A>G on transcript NM_001267550.2 (MANE Select); coding-DNA position 54661, A replaced by G.
Protein change: p.Ile18221Val; replaces isoleucine 18221 with valine.
Molecular consequence: missense variant.
Genome position (GRCh38, 1-based): chr2:178,604,026, T>C on the plus strand (A>G on the coding strand, the complement: TTN is on the minus strand). VCF-style: chr2-178604026-T-C. GRCh37 (hg19) VCF-style: chr2-179468753-T-C.
Other names: c.49738A>G, p.Ile16580Val (NM_001256850.1); c.27466A>G, p.Ile9156Val (NM_003319.4); c.46957A>G, p.Ile15653Val (NM_133378.4); c.27841A>G, p.Ile9281Val (NM_133432.3); c.28042A>G, p.Ile9348Val (NM_133437.4); short protein forms I15653V, I16580V, I18221V, I9156V, I9281V, I9348V.
Identifiers: ClinVar variation 2651631 (VCV002651631.24), dbSNP rs375091820, ClinGen allele CA1993593.

ClinVar aggregate classification (germline): Uncertain significance (1 of 4 stars; one submission).

Allele frequency attached by ClinVar (database versions not stated): TOPMed 0.00002; ExAC 0.00003; ESP Exome Variant Server 0.00008.
gnomAD v4.1: 23 of 1,612,992 alleles (0.0014%); highest among the groups gnomAD compares: South Asian, 0.0066%; no homozygotes.

Submission:

CeGaT Center for Human Genetics Tuebingen
Classification: Uncertain significance. Last evaluated: 2022-08-01. Review status: criteria provided, single submitter. Criteria: CeGaT Center For Human Genetics Tuebingen Variant Classification Criteria Version 2. Collection method: clinical testing. Allele origin: germline. Affected: yes. Observed: 1 variant allele.
Comment: TTN: PM2, BP4